The following is an entry in ClinVar:

ClinVar aggregate classification (germline): Pathogenic (1 of 4 stars; one submission).

Conditions:
Glycogen storage disease IV, classic hepatic. Also called: GSD IV, CLASSIC HEPATIC. Identifiers: MedGen C1856301.
Glycogen storage disease, type IV (GSD4). Also called: Glycogen storage disease due to glycogen branching enzyme deficiency; AMYLOPECTINOSIS; ANDERSEN DISEASE; BRANCHER DEFICIENCY; CIRRHOSIS, FAMILIAL, WITH DEPOSITION OF ABNORMAL GLYCOGEN; GBE1 DEFICIENCY. Identifiers: Orphanet 367, MedGen C0017923, MONDO:0009292, OMIM 232500.

Submission:

Labcorp Genetics (formerly Invitae), Labcorp
Classification: Pathogenic for Glycogen storage disease, type IV; Glycogen storage disease IV, classic hepatic. Last evaluated: 2022-01-28. Review status: criteria provided, single submitter. Criteria: Invitae Variant Classification Sherloc (09022015). Collection method: clinical testing. Allele origin: germline.
Comment: For these reasons, this variant has been classified as Pathogenic. This variant has not been reported in the literature in individuals affected with GBE1-related conditions. This variant is not present in population databases (gnomAD no frequency). This sequence change creates a premature translational stop signal (p.Gly106Valfs*37) in the GBE1 gene. It is expected to result in an absent or disrupted protein product. Loss-of-function variants in GBE1 are known to be pathogenic (PMID: 15452297, 20058079).

Literature cited by the submitters: PubMed 15452297; PubMed 20058079.

NM_000158.4(GBE1):c.317del (p.Gly106fs)

Gene: GBE1 (1,4-alpha-glucan branching enzyme 1; minus strand). Cytogenetic location: 3p12.2.
Variant type: Deletion.
Coding change: c.317del on transcript NM_000158.4 (MANE Select); coding-DNA position 317, one base deleted (G; older notation c.317delG).
Protein change: p.Gly106fs; shifts the reading frame from glycine 106.
Molecular consequence: frameshift variant.
Genome position (GRCh38, 1-based): chr3:81,670,950, C deleted on the plus strand (G on the coding strand, the reverse complement: GBE1 is on the minus strand); the first of 2 consecutive C bases (chr3:81,670,950-81,670,951); deleting either gives the same sequence. VCF-style (leftmost placement, unchanged base first): chr3-81670949-AC-A. GRCh37 (hg19) VCF-style: chr3-81720100-AC-A.
Other names: short protein forms G106fs.
Identifiers: ClinVar variation 1453753 (VCV001453753.6), dbSNP rs2107114812, ClinGen allele CA2573137466.
Genomic context (GRCh38, chr3:81,670,949, plus strand): 5'-GATATACAGCTCCCATTTTCCATAATCCAGTTTTTTGTATGGGTACGAAAATGGATTCCA[AC>A]CATCTAAAAAAATGAAGAAGATCAGTTAACAACAGCATGATAGGACTAATAGTTAATGAA-3'